The following is an entry in ClinVar:

NM_006440.5(TXNRD2):c.677C>T (p.Ala226Val)

Gene: TXNRD2 (thioredoxin reductase 2; minus strand). Cytogenetic location: 22q11.21.
Variant type: single nucleotide variant.
Coding change: c.677C>T on transcript NM_006440.5 (MANE Select); coding-DNA position 677, C replaced by T.
Protein change: p.Ala226Val; replaces alanine 226 with valine.
Molecular consequence: missense variant. On other transcripts: non-coding transcript variant (1).
Genome position (GRCh38, 1-based): chr22:19,899,054, G>A on the plus strand (C>T on the coding strand, the complement: TXNRD2 is on the minus strand). VCF-style: chr22-19899054-G-A. GRCh37 (hg19) VCF-style: chr22-19886577-G-A.
Other names: c.677C>T, p.Ala226Val (NM_001282512.3); c.674C>T, p.Ala225Val (NM_001352300.2); c.587C>T, p.Ala196Val (NM_001352301.2); c.389C>T, p.Ala130Val (NM_001352302.2); c.581C>T, p.Ala194Val (NM_001352303.2); short protein forms A194V, A130V, A225V, A196V, A226V.
Identifiers: ClinVar variation 2741224 (VCV002741224.4), dbSNP rs1374469315, ClinGen allele CA410687941.
Genomic context (GRCh38, chr22:19,899,054, plus strand): 5'-AAGGGAAGGAGTGTCCAGTTCCCAGGACGGCCACCTGCACGCTTGCAAAGGATACAGCTG[G>A]CCCCGACCACCAACCTGTTAGAGAAACAGAGAGAGAGCACATGTAAAGCTGAGGCCCTTA-3'
Protein context (NP_006431.2, residues 216-236): ESPGKTLVVG[Ala226Val]SYVALECAGF

ClinVar aggregate classification (germline): Uncertain significance. Review status: criteria provided, multiple submitters, no conflicts (2 of 4 stars). 2 submissions from 2 submitters: Uncertain significance (2). Last evaluated 2025-11-24.

Conditions:
Primary dilated cardiomyopathy (DCM). Also called: Dilated Cardiomyopathy. Identifiers: Orphanet 217604, MedGen C0007193, MeSH D002311, MONDO:0005021, HP:0001644. Inheritance: Various modes of inheritance.
Cardiovascular phenotype. Identifiers: MedGen CN230736.

Allele frequency attached by ClinVar (database versions not stated): gnomAD exomes 0.00001; TOPMed below 0.00001.
gnomAD v4.1: 10 of 1,606,958 alleles (0.00062%); highest among the groups gnomAD compares: Non-Finnish European, 0.00085%; no homozygotes.

Submissions (2):

Labcorp Genetics (formerly Invitae), Labcorp
Classification: Uncertain significance for Primary dilated cardiomyopathy. Last evaluated: 2025-11-24. Review status: criteria provided, single submitter. Criteria: Invitae Variant Classification Sherloc (09022015). Collection method: clinical testing. Allele origin: germline.
Comment: This sequence change replaces alanine, which is neutral and non-polar, with valine, which is neutral and non-polar, at codon 226 of the TXNRD2 protein (p.Ala226Val). The frequency data for this variant in the population databases is considered unreliable, as metrics indicate poor data quality at this position in the gnomAD database. This variant has not been reported in the literature in individuals affected with TXNRD2-related conditions. ClinVar contains an entry for this variant (Variation ID: 2741224). Invitae Evidence Modeling of protein sequence and biophysical properties (such as structural, functional, and spatial information, amino acid conservation, physicochemical variation, residue mobility, and thermodynamic stability) has been performed for this missense variant. However, the output from this modeling did not meet the statistical confidence thresholds required to predict the impact of this variant on TXNRD2 protein function. In summary, the available evidence is currently insufficient to determine the role of this variant in disease. Therefore, it has been classified as a Variant of Uncertain Significance.

Ambry Genetics
Classification: Uncertain significance for Cardiovascular phenotype. Last evaluated: 2024-07-09. Review status: criteria provided, single submitter. Criteria: Ambry Variant Classification Scheme 2023. Collection method: clinical testing. Allele origin: germline.
Comment: The p.A226V variant (also known as c.677C>T), located in coding exon 9 of the TXNRD2 gene, results from a C to T substitution at nucleotide position 677. The alanine at codon 226 is replaced by valine, an amino acid with similar properties. This amino acid position is highly conserved in available vertebrate species. In addition, this alteration is predicted to be deleterious by in silico analysis. The evidence for this gene-disease relationship is limited; therefore, the clinical significance of this alteration is unclear.